The following is an entry in ClinVar:

NM_001348716.2(KDM6B):c.841C>T (p.Leu281=)

Gene: KDM6B (lysine demethylase 6B; plus strand). Cytogenetic location: 17p13.1.
Variant type: single nucleotide variant.
Coding change: c.841C>T on transcript NM_001348716.2 (MANE Select); coding-DNA position 841, C replaced by T.
Protein change: p.Leu281=; no amino-acid change (leucine 281 retained).
Molecular consequence: synonymous variant.
Genome position (GRCh38, 1-based): chr17:7,846,948, C>T. VCF-style: chr17-7846948-C-T. GRCh37 (hg19) VCF-style: chr17-7750266-C-T.
Other names: c.841C>T, p.Leu281= (NM_001080424.2).
Identifiers: ClinVar variation 4821303 (VCV004821303.4).
Genomic context (GRCh38, chr17:7,846,948, plus strand): 5'-CCACCACCACCCCTGCCTGGCCTGGCTACCAGCCCCCCATTTCAGCTAACCAAGCCAGGG[C>T]TGTGGAGTACCCTGCATGGAGATGCCTGGGGCCCAGAGCGCAAGGGTTCAGCACCCCCAG-3'
Protein context (NP_001335645.1, residues 271-291): SPPFQLTKPG[Leu281=]WSTLHGDAWG

ClinVar aggregate classification (germline): Likely benign (1 of 4 stars; one submission).

Submission:

CeGaT Center for Human Genetics Tuebingen
Classification: Likely benign. Last evaluated: 2026-02-01. Review status: criteria provided, single submitter. Criteria: CeGaT Center For Human Genetics Tuebingen Variant Classification Criteria Version 2. Collection method: clinical testing. Allele origin: germline. Affected: yes. Observed: 1 variant allele.
Comment: KDM6B: BP4, BP7